The following is an entry in ClinVar:

ClinVar aggregate classification (germline): Uncertain significance (0 of 4 stars; one submission).

Conditions:
FLNB-related disorder. Also called: FLNB-related condition; FLNB-related disorders. Identifiers: MedGen CN381095.

gnomAD v4.1: 5 of 1,613,920 alleles (0.00031%); highest among the groups gnomAD compares: Non-Finnish European, 0.00042%; no homozygotes.

Submission:

PreventionGenetics, part of Exact Sciences
Classification: Uncertain significance for FLNB-related condition. Last evaluated: 2024-05-31. Review status: no assertion criteria provided. Collection method: clinical testing. Allele origin: germline.
Comment: The FLNB c.4874C>T variant is predicted to result in the amino acid substitution p.Ala1625Val. To our knowledge, this variant has not been reported in the literature or in a large population database, indicating this variant is rare. At this time, the clinical significance of this variant is uncertain due to the absence of conclusive functional and genetic evidence.

NM_001457.4(FLNB):c.4874C>T (p.Ala1625Val)

Gene: FLNB (filamin B; plus strand). Cytogenetic location: 3p14.3.
Variant type: single nucleotide variant.
Coding change: c.4874C>T on transcript NM_001457.4 (MANE Select); coding-DNA position 4874, C replaced by T.
Protein change: p.Ala1625Val; replaces alanine 1625 with valine.
Molecular consequence: missense variant.
Genome position (GRCh38, 1-based): chr3:58,138,294, C>T. VCF-style: chr3-58138294-C-T. GRCh37 (hg19) VCF-style: chr3-58124021-C-T.
Other names: c.4967C>T, p.Ala1656Val (NM_001164317.2); c.4874C>T, p.Ala1625Val (NM_001164318.2, NM_001164319.2); short protein forms A1625V, A1656V.
Identifiers: ClinVar variation 3344911 (VCV003344911.1).